The following is an entry in ClinVar:

ClinVar aggregate classification (germline): Conflicting classifications of pathogenicity. Review status: criteria provided, conflicting classifications (1 of 4 stars). 2 submissions from 2 submitters: Uncertain significance (1); Likely benign (1). Last evaluated 2026-05-16.

Conditions:
POLD1-related polyposis and colorectal cancer syndrome (CRCS10). Also called: Colorectal cancer, susceptibility to, 10; Colorectal cancer 10; COLORECTAL CANCER, SUSCEPTIBILITY TO, ON CHROMOSOME 19q. Identifiers: Orphanet 220460, MedGen C2675481, MONDO:0012953, OMIM 612591.
Hereditary cancer-predisposing syndrome. Also called: Tumor predisposition; Hereditary Cancer Syndrome; Hereditary neoplastic syndrome; Neoplastic Syndromes, Hereditary. Identifiers: Orphanet 140162, MedGen C0027672, MeSH D009386, MONDO:0015356.

gnomAD v4.1: 5 of 1,552,214 alleles (0.00032%); highest among the groups gnomAD compares: Non-Finnish European, 0.00043%; no homozygotes.

Submissions (2):

Ambry Genetics
Classification: Likely benign for Hereditary cancer-predisposing syndrome. Last evaluated: 2026-05-16. Review status: criteria provided, single submitter. Criteria: Ambry Variant Classification Scheme 2023. Collection method: clinical testing. Allele origin: germline.

Labcorp Genetics (formerly Invitae), Labcorp
Classification: Uncertain significance for POLD1-related polyposis and colorectal cancer syndrome. Last evaluated: 2023-05-22. Review status: criteria provided, single submitter. Criteria: Invitae Variant Classification Sherloc (09022015). Collection method: clinical testing. Allele origin: germline.
Comment: This sequence change affects codon 984 of the POLD1 mRNA. It is a 'silent' change, meaning that it does not change the encoded amino acid sequence of the POLD1 protein. It affects a nucleotide within the consensus splice site. In summary, the available evidence is currently insufficient to determine the role of this variant in disease. Therefore, it has been classified as a Variant of Uncertain Significance. Algorithms developed to predict the effect of sequence changes on RNA splicing suggest that this variant is not likely to affect RNA splicing. ClinVar contains an entry for this variant (Variation ID: 1412274). This variant has not been reported in the literature in individuals affected with POLD1-related conditions. This variant is not present in population databases (gnomAD no frequency).

NM_002691.4(POLD1):c.2952G>T (p.Leu984=)

Gene: POLD1 (DNA polymerase delta 1, catalytic subunit; plus strand). Cytogenetic location: 19q13.33.
Variant type: single nucleotide variant.
Coding change: c.2952G>T on transcript NM_002691.4 (MANE Select); coding-DNA position 2952, G replaced by T.
Protein change: p.Leu984=; no amino-acid change (leucine 984 retained).
Molecular consequence: synonymous variant. On other transcripts: non-coding transcript variant (1).
Genome position (GRCh38, 1-based): chr19:50,416,527, G>T. VCF-style: chr19-50416527-G-T. GRCh37 (hg19) VCF-style: chr19-50919784-G-T.
Other names: c.2952G>T, p.Leu984= (NM_001256849.1); c.3030G>T, p.Leu1010= (NM_001308632.1); c.2952G>T (NM_002691.2).
Identifiers: ClinVar variation 1412274 (VCV001412274.9), dbSNP rs1227560475, ClinGen allele CA508305379.